The following is an entry in ClinVar:

ClinVar aggregate classification (germline): Uncertain significance (1 of 4 stars; one submission).

Conditions:
Nephronophthisis 9 (NPHP9). Identifiers: Orphanet 655, MedGen C3151188, MONDO:0013444, OMIM 613824.

Allele frequency attached by ClinVar (database versions not stated): gnomAD exomes below 0.00001.
gnomAD v4.1: 1 of 1,614,062 alleles (0.000062%); highest among the groups gnomAD compares: Non-Finnish European, 0.000085%; no homozygotes.

Submission:

Labcorp Genetics (formerly Invitae), Labcorp
Classification: Uncertain significance for Nephronophthisis 9. Last evaluated: 2021-12-26. Review status: criteria provided, single submitter. Criteria: Invitae Variant Classification Sherloc (09022015). Collection method: clinical testing. Allele origin: germline.
Comment: This variant has not been reported in the literature in individuals affected with NEK8-related conditions. This variant is not present in population databases (gnomAD no frequency). This sequence change replaces cysteine, which is neutral and slightly polar, with tyrosine, which is neutral and polar, at codon 485 of the NEK8 protein (p.Cys485Tyr). In summary, the available evidence is currently insufficient to determine the role of this variant in disease. Therefore, it has been classified as a Variant of Uncertain Significance. Algorithms developed to predict the effect of missense changes on protein structure and function are either unavailable or do not agree on the potential impact of this missense change (SIFT: "Deleterious"; PolyPhen-2: "Benign"; Align-GVGD: "Class C15").

NM_178170.3(NEK8):c.1454G>A (p.Cys485Tyr)

Gene: NEK8 (NIMA related kinase 8; plus strand). Cytogenetic location: 17q11.2.
Variant type: single nucleotide variant.
Coding change: c.1454G>A on transcript NM_178170.3 (MANE Select); coding-DNA position 1454, G replaced by A.
Protein change: p.Cys485Tyr; replaces cysteine 485 with tyrosine.
Molecular consequence: missense variant.
Genome position (GRCh38, 1-based): chr17:28,740,499, G>A. VCF-style: chr17-28740499-G-A. GRCh37 (hg19) VCF-style: chr17-27067517-G-A.
Other names: short protein forms C485Y.
Identifiers: ClinVar variation 2193976 (VCV002193976.4), dbSNP rs1805736884, ClinGen allele CA398356488.